The following is an entry in ClinVar:

ClinVar aggregate classification (germline): Benign. Review status: criteria provided, multiple submitters, no conflicts (2 of 4 stars). 5 submissions from 5 submitters: Benign (5). Last evaluated 2026-01-26.

Allele frequency attached by ClinVar (database versions not stated): gnomAD exomes 0.00064 and 0.00169; ExAC 0.00232; gnomAD 0.00759 and 0.00823; 1000 Genomes Project 0.00839; 1000 Genomes Project 30x 0.00843; TOPMed 0.00852; ESP Exome Variant Server 0.00892.
gnomAD v4.1: 2,122 of 1,613,714 alleles (0.13%); highest among the groups gnomAD compares: African/African-American, 2.5%; 25 homozygotes.

Submissions (5):

Labcorp Genetics (formerly Invitae), Labcorp
Classification: Benign. Last evaluated: 2026-01-26. Review status: criteria provided, single submitter. Criteria: Invitae Variant Classification Sherloc (09022015). Collection method: clinical testing. Allele origin: germline.

ARUP Laboratories, Molecular Genetics and Genomics, ARUP Laboratories
Classification: Benign. Last evaluated: 2024-07-30. Review status: criteria provided, single submitter. Criteria: ARUP Molecular Germline Variant Investigation Process 2024. Collection method: clinical testing. Allele origin: germline.

Mayo Clinic Laboratories, Mayo Clinic
Classification: Benign. Last evaluated: 2024-01-02. Review status: criteria provided, single submitter. Criteria: ACMG Guidelines, 2015. Collection method: clinical testing. Allele origin: germline. Observed: 4 variant alleles.
Comment: BA1, BS2, BP4

Genetic Services Laboratory, University of Chicago
Classification: Benign. Last evaluated: 2020-07-28. Review status: criteria provided, single submitter. Criteria: ACMG Guidelines, 2015. Collection method: clinical testing. Allele origin: germline. Affected: no.

Breakthrough Genomics
Classification: Benign. Review status: criteria provided, single submitter. Criteria: ACMG Guidelines, 2015. Collection method: not provided. Allele origin: germline. Inheritance: Autosomal dominant inheritance. Affected: yes.

NM_152703.5(SAMD9L):c.286T>C (p.Ser96Pro)

Gene: SAMD9L (sterile alpha motif domain containing 9 like; minus strand). Cytogenetic location: 7q21.2.
Variant type: single nucleotide variant.
Coding change: c.286T>C on transcript NM_152703.5 (MANE Select); coding-DNA position 286, T replaced by C.
Protein change: p.Ser96Pro; replaces serine 96 with proline.
Molecular consequence: missense variant.
Genome position (GRCh38, 1-based): chr7:93,135,686, A>G on the plus strand (T>C on the coding strand, the complement: SAMD9L is on the minus strand). VCF-style: chr7-93135686-A-G. GRCh37 (hg19) VCF-style: chr7-92764999-A-G.
Other names: p.Ser96Pro; c.286T>C, p.Ser96Pro (NM_001303496.3, NM_001303497.3, NM_001303498.3 and 5 more transcripts); short protein forms S96P.
Identifiers: ClinVar variation 722434 (VCV000722434.16), dbSNP rs60838691, ClinGen allele CA4343896.
Genomic context (GRCh38, chr7:93,135,686, plus strand): 5'-ACATTGAATTTTCTTCTTCCTTTTTGGTGTGTTTTGGATTTTTCTGGTGTTCTGTTTTGG[A>G]CGGTTTTGAATTATCTAATTGTCCCGGATCATGATTGTCACTTTCAGGGGACTTACTATT-3'
Protein context (NP_689916.2, residues 86-106): DPGQLDNSKP[Ser96Pro]KTEHQKNPKH